The following is an entry in ClinVar:

ClinVar aggregate classification (germline): Conflicting classifications of pathogenicity. Review status: criteria provided, conflicting classifications (1 of 4 stars). 2 submissions from 2 submitters: Likely pathogenic (1); Uncertain significance (1). Last evaluated 2021-01-14.

Conditions:
Retinitis pigmentosa (RP). Identifiers: Orphanet 791, MedGen C0035334, MeSH D012174, MONDO:0019200, OMIM 268000. Inheritance: Autosomal dominant, autosomal recessive and X linked inheritance.

Submissions (2):

Labcorp Genetics (formerly Invitae), Labcorp
Classification: Uncertain significance. Last evaluated: 2021-01-14. Review status: criteria provided, single submitter. Criteria: Invitae Variant Classification Sherloc (09022015). Collection method: clinical testing. Allele origin: germline.
Comment: In summary, the available evidence is currently insufficient to determine the role of this variant in disease. Therefore, it has been classified as a Variant of Uncertain Significance. Algorithms developed to predict the effect of missense changes on protein structure and function (SIFT, PolyPhen-2, Align-GVGD) all suggest that this variant is likely to be disruptive, but these predictions have not been confirmed by published functional studies and their clinical significance is uncertain. This variant has not been reported in the literature in individuals with PRPF31-related conditions. ClinVar contains an entry for this variant (Variation ID: 973369). This variant is not present in population databases (ExAC no frequency). This sequence change replaces isoleucine with threonine at codon 274 of the PRPF31 protein (p.Ile274Thr). The isoleucine residue is highly conserved and there is a moderate physicochemical difference between isoleucine and threonine.

INSERM U1051, Institut des Neurosciences de Montpellier
Classification: Likely pathogenic for Retinitis pigmentosa. Last evaluated: 2020-06-24. Review status: criteria provided, single submitter. Criteria: ACMG Guidelines, 2015. Collection method: research. Allele origin: inherited. Affected: yes.

NM_015629.4(PRPF31):c.821T>C (p.Ile274Thr)

Gene: PRPF31 (pre-mRNA processing factor 31; plus strand). Cytogenetic location: 19q13.42.
Variant type: single nucleotide variant.
Coding change: c.821T>C on transcript NM_015629.4 (MANE Select); coding-DNA position 821, T replaced by C.
Protein change: p.Ile274Thr; replaces isoleucine 274 with threonine.
Molecular consequence: missense variant.
Genome position (GRCh38, 1-based): chr19:54,124,622, T>C. VCF-style: chr19-54124622-T-C. GRCh37 (hg19) VCF-style: chr19-54628001-T-C.
Other names: short protein forms I274T.
Identifiers: ClinVar variation 973369 (VCV000973369.9), dbSNP rs2073875700, ClinGen allele CA407751375.
Genomic context (GRCh38, chr19:54,124,622, plus strand): 5'-CCCAGCGCAAGACGCTGTCGGGCTTCTCGTCTACCTCAGTGCTGCCCCACACCGGCTACA[T>C]CTACCACAGTGACATCGTGCAGTCCCTGCCACCGGTGAGCCCACTGCGTCATGGCCCCTC-3'
Protein context (NP_056444.3, residues 264-284): STSVLPHTGY[Ile274Thr]YHSDIVQSLP